The following is an entry in ClinVar:

NM_001267550.2(TTN):c.100976T>C (p.Val33659Ala)

Genes: TTN (titin; minus strand), TTN-AS1 (TTN antisense RNA 1; plus strand). Cytogenetic location: 2q31.2.
Variant type: single nucleotide variant.
Coding change: c.100976T>C on transcript NM_001267550.2 (MANE Select); coding-DNA position 100976, T replaced by C.
Protein change: p.Val33659Ala; replaces valine 33659 with alanine.
Molecular consequence: missense variant.
Genome position (GRCh38, 1-based): chr2:178,535,639, A>G on the plus strand (T>C on the coding strand, the complement: TTN is on the minus strand). VCF-style: chr2-178535639-A-G. GRCh37 (hg19) VCF-style: chr2-179400366-A-G.
Other names: c.96053T>C, p.Val32018Ala (NM_001256850.1); c.73781T>C, p.Val24594Ala (NM_003319.4); c.93272T>C, p.Val31091Ala (NM_133378.4); c.74156T>C, p.Val24719Ala (NM_133432.3); c.74357T>C, p.Val24786Ala (NM_133437.4); short protein forms V24594A, V31091A, V24786A, V33659A, V32018A, V24719A.
Identifiers: ClinVar variation 1477388 (VCV001477388.6), dbSNP rs2154136807, ClinGen allele CA349422200.

ClinVar aggregate classification (germline): Uncertain significance (1 of 4 stars; one submission).

Conditions:
Dilated cardiomyopathy 1G (CMD1G). Identifiers: Orphanet 154, MedGen C1858763, MONDO:0011400, OMIM 604145.
Autosomal recessive limb-girdle muscular dystrophy type 2J (LGMDR10). Also called: MUSCULAR DYSTROPHY, LIMB-GIRDLE, AUTOSOMAL RECESSIVE 10; Limb-girdle muscular dystrophy, type 2J. Identifiers: Orphanet 140922, MedGen C1837342, MONDO:0012127, OMIM 608807.

Submission:

Labcorp Genetics (formerly Invitae), Labcorp
Classification: Uncertain significance for Dilated cardiomyopathy 1G; Autosomal recessive limb-girdle muscular dystrophy type 2J. Last evaluated: 2022-07-19. Review status: criteria provided, single submitter. Criteria: Invitae Variant Classification Sherloc (09022015). Collection method: clinical testing. Allele origin: germline.
Comment: In summary, the available evidence is currently insufficient to determine the role of this variant in disease. Therefore, it has been classified as a Variant of Uncertain Significance. This variant is located in the M band of TTN (PMID: 25589632). Variants in this region may be relevant for neuromuscular disorders, but have not been definitively shown to cause cardiomyopathy (PMID: 23975875). Algorithms developed to predict the effect of sequence changes on RNA splicing suggest that this variant may create or strengthen a splice site. Experimental studies and prediction algorithms are not available or were not evaluated, and the functional significance of this variant is currently unknown. ClinVar contains an entry for this variant (Variation ID: 1477388). This variant is located in the M band of TTN (PMID: 25589632). Variants in this region may be relevant for neuromuscular disorders, but have not been definitively shown to cause cardiomyopathy (PMID: 23975875). This variant has not been reported in the literature in individuals affected with TTN-related conditions. This variant is not present in population databases (gnomAD no frequency). This sequence change replaces valine, which is neutral and non-polar, with alanine, which is neutral and non-polar, at codon 33659 of the TTN protein (p.Val33659Ala).

Literature cited by the submitters: PubMed 25589632; PubMed 23975875.